The following is an entry in ClinVar:

NM_001440.4(EXTL3):c.2577C>A (p.Cys859Ter)

Gene: EXTL3 (exostosin like glycosyltransferase 3; plus strand). Cytogenetic location: 8p21.1.
Variant type: single nucleotide variant.
Coding change: c.2577C>A on transcript NM_001440.4 (MANE Select); coding-DNA position 2577, C replaced by A.
Protein change: p.Cys859Ter; replaces cysteine 859 with a stop codon.
Molecular consequence: nonsense. On other transcripts: non-coding transcript variant (1).
Genome position (GRCh38, 1-based): chr8:28,750,683, C>A. VCF-style: chr8-28750683-C-A. GRCh37 (hg19) VCF-style: chr8-28608200-C-A.
Other names: short protein forms C859*.
Identifiers: ClinVar variation 3345265 (VCV003345265.1).

ClinVar aggregate classification (germline): Uncertain significance (0 of 4 stars; one submission).

Conditions:
EXTL3-related disorder. Also called: EXTL3-related condition.

Submission:

PreventionGenetics, part of Exact Sciences
Classification: Uncertain significance for EXTL3-related condition. Last evaluated: 2024-06-20. Review status: no assertion criteria provided. Collection method: clinical testing. Allele origin: germline.
Comment: The EXTL3 c.2577C>A variant is predicted to result in premature protein termination (p.Cys859*). To our knowledge, this variant has not been reported in the literature or in a large population database, indicating this variant is rare. At this time, the clinical significance of this variant is uncertain due to the absence of conclusive functional and genetic evidence.